The following is an entry in ClinVar:

ClinVar aggregate classification (germline): Likely benign (1 of 4 stars; one submission).

Allele frequency attached by ClinVar (database versions not stated): TOPMed 0.00005.
gnomAD v4.1: 9 of 152,158 alleles (0.0059%); highest among the groups gnomAD compares: African/African-American, 0.022%; no homozygotes.

Submission:

GeneDx
Classification: Likely benign. Last evaluated: 2017-11-28. Review status: criteria provided, single submitter. Criteria: GeneDx Variant Classification (06012015). Collection method: clinical testing. Allele origin: germline. Affected: yes.
Comment: This variant is considered likely benign or benign based on one or more of the following criteria: it is a conservative change, it occurs at a poorly conserved position in the protein, it is predicted to be benign by multiple in silico algorithms, and/or has population frequency not consistent with disease.

NM_133642.5(LARGE1):c.-83+63247G>A

Gene: LARGE1 (LARGE xylosyl- and glucuronyltransferase 1; minus strand). Cytogenetic location: 22q12.3.
Variant type: single nucleotide variant.
Coding change: c.-83+63247G>A on transcript NM_133642.5 (MANE Select); 63247 bases into the intron after 83 bases upstream of the start codon, G replaced by A.
Molecular consequence: intron variant. On other transcripts: 5 prime UTR variant (4).
Genome position (GRCh38, 1-based): chr22:33,856,748, C>T on the plus strand (G>A on the coding strand, the complement: LARGE1 is on the minus strand). VCF-style: chr22-33856748-C-T. GRCh37 (hg19) VCF-style: chr22-34252736-C-T.
Other names: c.-91G>A (NM_001362949.2, NM_001378624.1, NM_001378625.1 and 1 more transcripts); c.-83+65873G>A (NM_001362953.2); c.-83+65729G>A (NM_001378627.1, NM_001362951.2); c.-83+63247G>A (NM_001378629.1, NM_001378628.1); c.-83+16360G>A (NM_001378626.1).
Identifiers: ClinVar variation 513665 (VCV000513665.1), dbSNP rs917246646, ClinGen allele CA323782033.
Genomic context (GRCh38, chr22:33,856,748, plus strand): 5'-AGGTTTCTGTGAGGATTTAATAAAACAGCTTTGAAAACGCTACACATCTTACCTGGCTCA[C>T]GACAGGTGCTTTACAAACGGCTGATGCATCTGAATGCGTTTCTTAATGTAGGTTCTGAAA-3'